The following is an entry in ClinVar:

ClinVar aggregate classification (germline): Uncertain significance (1 of 4 stars; one submission).

Submission:

Ambry Genetics
Classification: Uncertain significance. Last evaluated: 2022-10-10. Review status: criteria provided, single submitter. Criteria: Ambry Variant Classification Scheme 2023. Collection method: clinical testing. Allele origin: germline.
Comment: The p.V281M variant (also known as c.841G>A), located in coding exon 5 of the IDH1 gene, results from a G to A substitution at nucleotide position 841. The valine at codon 281 is replaced by methionine, an amino acid with highly similar properties. This amino acid position is conserved. In addition, the in silico prediction for this alteration is inconclusive. Since supporting evidence is limited at this time, the clinical significance of this alteration remains unclear.

NM_005896.4(IDH1):c.841G>A (p.Val281Met)

Gene: IDH1 (isocitrate dehydrogenase (NADP(+)) 1; minus strand). Cytogenetic location: 2q34.
Variant type: single nucleotide variant.
Coding change: c.841G>A on transcript NM_005896.4 (MANE Select); coding-DNA position 841, G replaced by A.
Protein change: p.Val281Met; replaces valine 281 with methionine.
Molecular consequence: missense variant.
Genome position (GRCh38, 1-based): chr2:208,242,003, C>T on the plus strand (G>A on the coding strand, the complement: IDH1 is on the minus strand). VCF-style: chr2-208242003-C-T. GRCh37 (hg19) VCF-style: chr2-209106727-C-T.
Other names: c.841G>A, p.Val281Met (NM_001282386.1, NM_001282387.1); short protein forms V281M.
Identifiers: ClinVar variation 1763319 (VCV001763319.2), dbSNP rs2469019346, ClinGen allele CA350095909.
Genomic context (GRCh38, chr2:208,242,003, plus strand): 5'-GAACTACCCTGGAATGACCCTGTTCCTACAGGCCAGGCTCCACCTCTGTACCTTGGGCCA[C>T]AGAGTCCGACTGCACGTCACCATCATAGTTTTTACAGGCCCAGATGAAGCCTCCCTCTGA-3'
Protein context (NP_005887.2, residues 271-291): NYDGDVQSDS[Val281Met]AQGYGSLGMM